The following is an entry in ClinVar:

ClinVar aggregate classification (germline): Uncertain significance (1 of 4 stars; one submission).

Conditions:
Inborn genetic diseases. Identifiers: MedGen C0950123, MeSH D030342.

Submission:

Ambry Genetics
Classification: Uncertain significance for Inborn genetic diseases. Last evaluated: 2025-05-09. Review status: criteria provided, single submitter. Criteria: Ambry Variant Classification Scheme 2023. Collection method: clinical testing. Allele origin: germline.
Comment: The p.G1025V variant (also known as c.3074G>T), located in coding exon 18 of the RECQL4 gene, results from a G to T substitution at nucleotide position 3074. The glycine at codon 1025 is replaced by valine, an amino acid with dissimilar properties. This amino acid position is conserved. In addition, the in silico prediction for this alteration is inconclusive. Based on the available evidence, the clinical significance of this variant remains unclear.

NM_004260.4(RECQL4):c.3074G>T (p.Gly1025Val)

Gene: RECQL4 (RecQ like helicase 4; minus strand). Cytogenetic location: 8q24.3.
Variant type: single nucleotide variant.
Coding change: c.3074G>T on transcript NM_004260.4 (MANE Select); coding-DNA position 3074, G replaced by T.
Protein change: p.Gly1025Val; replaces glycine 1025 with valine.
Molecular consequence: missense variant. On other transcripts: non-coding transcript variant (2).
Genome position (GRCh38, 1-based): chr8:144,512,306, C>A on the plus strand (G>T on the coding strand, the complement: RECQL4 is on the minus strand). VCF-style: chr8-144512306-C-A. GRCh37 (hg19) VCF-style: chr8-145737689-C-A.
Other names: c.2780G>T, p.Gly927Val (NM_001413017.1); c.2876G>T, p.Gly959Val (NM_001413018.1); c.3149G>T, p.Gly1050Val (NM_001413019.1); c.2978G>T, p.Gly993Val (NM_001413020.1); c.2003G>T, p.Gly668Val (NM_001413021.1, NM_001413022.1, NM_001413024.1 and 4 more transcripts); c.2078G>T, p.Gly693Val (NM_001413023.1); c.2945G>T, p.Gly982Val (NM_001413025.1); c.1937G>T, p.Gly646Val (NM_001413027.1, NM_001413030.1, NM_001413032.1); and 9 more; short protein forms G536V, G658V, G959V, G982V, G993V, G1015V, G624V, G1050V.
Identifiers: ClinVar variation 3944313 (VCV003944313.1).